The following is an entry in ClinVar:

ClinVar aggregate classification (germline): Uncertain significance. Review status: criteria provided, multiple submitters, no conflicts (2 of 4 stars). 2 submissions from 2 submitters: Uncertain significance (2). Last evaluated 2025-03-31.

Allele frequency attached by ClinVar (database versions not stated): gnomAD exomes 0.00002; TOPMed 0.00002; ESP Exome Variant Server 0.00009; gnomAD 0.00005; ExAC 0.00007; 1000 Genomes Project 30x 0.00042; 1000 Genomes Project 0.00053.
gnomAD v4.1: 25 of 1,206,341 alleles (0.0021%); highest among the groups gnomAD compares: South Asian, 0.018%; no homozygotes.

Submissions (2):

Labcorp Genetics (formerly Invitae), Labcorp
Classification: Uncertain significance. Last evaluated: 2025-03-31. Review status: criteria provided, single submitter. Criteria: Invitae Variant Classification Sherloc (09022015). Collection method: clinical testing. Allele origin: germline.
Comment: This sequence change replaces glycine, which is neutral and non-polar, with arginine, which is basic and polar, at codon 579 of the COL4A6 protein (p.Gly579Arg). This variant is present in population databases (rs142121908, gnomAD 0.03%). This variant has not been reported in the literature in individuals affected with COL4A6-related conditions. ClinVar contains an entry for this variant (Variation ID: 2525799). Invitae Evidence Modeling of protein sequence and biophysical properties (such as structural, functional, and spatial information, amino acid conservation, physicochemical variation, residue mobility, and thermodynamic stability) indicates that this missense variant is expected to disrupt COL4A6 protein function with a positive predictive value of 80%. In summary, the available evidence is currently insufficient to determine the role of this variant in disease. Therefore, it has been classified as a Variant of Uncertain Significance.

Ambry Genetics
Classification: Uncertain significance. Last evaluated: 2023-05-31. Review status: criteria provided, single submitter. Criteria: Ambry Variant Classification Scheme 2023. Collection method: clinical testing. Allele origin: germline.

NM_033641.4(COL4A6):c.1732G>A (p.Gly578Arg)

Gene: COL4A6 (collagen type IV alpha 6 chain; minus strand). Cytogenetic location: Xq22.3.
Variant type: single nucleotide variant.
Coding change: c.1732G>A on transcript NM_033641.4 (MANE Select); coding-DNA position 1732, G replaced by A.
Protein change: p.Gly578Arg; replaces glycine 578 with arginine.
Molecular consequence: missense variant.
Genome position (GRCh38, 1-based): chrX:108,187,883, C>T on the plus strand (G>A on the coding strand, the complement: COL4A6 is on the minus strand). VCF-style: chrX-108187883-C-T. GRCh37 (hg19) VCF-style: chrX-107431113-C-T.
Other names: c.1732G>A, p.Gly578Arg (NM_001287758.2, NM_001287759.2, NM_001287760.2); c.1735G>A, p.Gly579Arg (NM_001847.4); short protein forms G578R, G579R.
Identifiers: ClinVar variation 2525799 (VCV002525799.5), dbSNP rs142121908, ClinGen allele CA10487780.